The following is an entry in ClinVar:

ClinVar aggregate classification (germline): Uncertain significance (1 of 4 stars; one submission).

Submission:

Labcorp Genetics (formerly Invitae), Labcorp
Classification: Uncertain significance. Last evaluated: 2023-10-13. Review status: criteria provided, single submitter. Criteria: Invitae Variant Classification Sherloc (09022015). Collection method: clinical testing. Allele origin: germline.
Comment: This sequence change replaces alanine, which is neutral and non-polar, with serine, which is neutral and polar, at codon 461 of the GPAA1 protein (p.Ala461Ser). This variant is not present in population databases (gnomAD no frequency). This variant has not been reported in the literature in individuals affected with GPAA1-related conditions. ClinVar contains an entry for this variant (Variation ID: 1517927). Advanced modeling of protein sequence and biophysical properties (such as structural, functional, and spatial information, amino acid conservation, physicochemical variation, residue mobility, and thermodynamic stability) performed at Invitae indicates that this missense variant is not expected to disrupt GPAA1 protein function. In summary, the available evidence is currently insufficient to determine the role of this variant in disease. Therefore, it has been classified as a Variant of Uncertain Significance.

NM_003801.4(GPAA1):c.1381G>T (p.Ala461Ser)

Gene: GPAA1 (glycosylphosphatidylinositol anchor attachment 1; plus strand). Cytogenetic location: 8q24.3.
Variant type: single nucleotide variant.
Coding change: c.1381G>T on transcript NM_003801.4 (MANE Select); coding-DNA position 1381, G replaced by T.
Protein change: p.Ala461Ser; replaces alanine 461 with serine.
Molecular consequence: missense variant.
Genome position (GRCh38, 1-based): chr8:144,085,409, G>T. VCF-style: chr8-144085409-G-T. GRCh37 (hg19) VCF-style: chr8-145140312-G-T.
Other names: short protein forms A461S.
Identifiers: ClinVar variation 1517927 (VCV001517927.7), dbSNP rs2129947475, ClinGen allele CA372504569.